The following is an entry in ClinVar:

ClinVar aggregate classification (germline): Uncertain significance (1 of 4 stars; one submission).

Allele frequency attached by ClinVar (database versions not stated): gnomAD exomes 0.00001; ExAC 0.00002; ESP Exome Variant Server 0.00008.

Submission:

Labcorp Genetics (formerly Invitae), Labcorp
Classification: Uncertain significance. Last evaluated: 2018-12-19. Review status: criteria provided, single submitter. Criteria: Invitae Variant Classification Sherloc (09022015). Collection method: clinical testing. Allele origin: germline.
Comment: This sequence change replaces lysine with threonine at codon 14 of the DNAAF4 protein (p.Lys14Thr). The lysine residue is weakly conserved and there is a moderate physicochemical difference between lysine and threonine. This variant is present in population databases (rs149530296, ExAC 0.003%). This variant has not been reported in the literature in individuals with DNAAF4-related conditions. Algorithms developed to predict the effect of missense changes on protein structure and function (SIFT, PolyPhen-2, Align-GVGD) all suggest that this variant is likely to be tolerated, but these predictions have not been confirmed by published functional studies and their clinical significance is uncertain. In summary, the available evidence is currently insufficient to determine the role of this variant in disease. Therefore, it has been classified as a Variant of Uncertain Significance.

NM_130810.4(DNAAF4):c.41A>C (p.Lys14Thr)

Genes: DNAAF4 (dynein axonemal assembly factor 4; minus strand), DNAAF4-CCPG1 (DNAAF4-CCPG1 readthrough (NMD candidate); minus strand). Cytogenetic location: 15q21.3.
Variant type: single nucleotide variant.
Coding change: c.41A>C on transcript NM_130810.4 (MANE Select); coding-DNA position 41, A replaced by C.
Protein change: p.Lys14Thr; replaces lysine 14 with threonine.
Molecular consequence: missense variant. On other transcripts: non-coding transcript variant (1).
Genome position (GRCh38, 1-based): chr15:55,498,289, T>G on the plus strand (A>C on the coding strand, the complement: DNAAF4 is on the minus strand). VCF-style: chr15-55498289-T-G. GRCh37 (hg19) VCF-style: chr15-55790487-T-G.
Other names: c.41A>C, p.Lys14Thr (NM_001033559.3, NM_001033560.2); short protein forms K14T.
Identifiers: ClinVar variation 662195 (VCV000662195.9), dbSNP rs149530296, ClinGen allele CA7575175.